The following is an entry in ClinVar:

NM_001367823.1(ARHGEF18):c.1310A>G (p.Tyr437Cys)

Gene: ARHGEF18 (Rho/Rac guanine nucleotide exchange factor 18; plus strand). Cytogenetic location: 19p13.2.
Variant type: single nucleotide variant.
Coding change: c.1310A>G on transcript NM_001367823.1 (MANE Select); coding-DNA position 1310, A replaced by G.
Protein change: p.Tyr437Cys; replaces tyrosine 437 with cysteine.
Molecular consequence: missense variant.
Genome position (GRCh38, 1-based): chr19:7,442,002, A>G. VCF-style: chr19-7442002-A-G. GRCh37 (hg19) VCF-style: chr19-7506888-A-G.
Other names: c.584A>G, p.Tyr195Cys (NM_001130955.2); c.272A>G, p.Tyr91Cys (NM_001367824.1, NM_015318.4); short protein forms Y195C, Y437C, Y91C.
Identifiers: ClinVar variation 1063437 (VCV001063437.9), dbSNP rs2145781576, ClinGen allele CA403100308.

ClinVar aggregate classification (germline): Uncertain significance (1 of 4 stars; one submission).

Submission:

Labcorp Genetics (formerly Invitae), Labcorp
Classification: Uncertain significance. Last evaluated: 2022-03-10. Review status: criteria provided, single submitter. Criteria: Invitae Variant Classification Sherloc (09022015). Collection method: clinical testing. Allele origin: germline.
Comment: ClinVar contains an entry for this variant (Variation ID: 1063437). This variant has not been reported in the literature in individuals affected with ARHGEF18-related conditions. This variant is not present in population databases (gnomAD no frequency). This sequence change replaces tyrosine, which is neutral and polar, with cysteine, which is neutral and slightly polar, at codon 249 of the ARHGEF18 protein (p.Tyr249Cys). Algorithms developed to predict the effect of missense changes on protein structure and function (SIFT, PolyPhen-2, Align-GVGD) all suggest that this variant is likely to be disruptive. In summary, the available evidence is currently insufficient to determine the role of this variant in disease. Therefore, it has been classified as a Variant of Uncertain Significance.